The following is an entry in ClinVar:

NM_138694.4(PKHD1):c.2694_2715+12delinsACTTA

Gene: PKHD1 (PKHD1 ciliary IPT domain containing fibrocystin/polyductin; minus strand). Cytogenetic location: 6p12.2.
Variant type: Indel.
Coding change: c.2694_2715+12delinsACTTA on transcript NM_138694.4 (MANE Select); coding-DNA position 2694 through 12 bases into the intron after coding-DNA position 2715, the reference bases replaced by ACTTA.
Molecular consequence: splice donor variant.
Genome position (GRCh38, 1-based): chr6:52,044,954-52,044,987, 34 bases replaced. GRCh37 (hg19): chr6:51,909,752-51,909,785.
Other names: c.2694_2715+12delinsACTTA (NM_170724.3).
Identifiers: ClinVar variation 4816615 (VCV004816615.2).

ClinVar aggregate classification (germline): Likely pathogenic (1 of 4 stars; one submission).

Conditions:
Autosomal recessive polycystic kidney disease (ARPKD). Also called: AR polycystic kidney disease. Identifiers: Orphanet 731, Orphanet 8378, MedGen C0085548, MeSH D017044, MONDO:0009889.

Submission:

Natera, Inc.
Classification: Likely pathogenic for Autosomal recessive polycystic kidney disease. Last evaluated: 2025-04-03. Review status: criteria provided, single submitter. Criteria: Natera Variant Classification Schema (03/2026). Collection method: clinical testing. Allele origin: germline.
Comment: The c.2694_2715+12delTACTGCCAACCAGCATACTCAGGTGAGAGTGAATinsACTTA variant in PKHD1 is a deletion-insertion (delins) variant predicted to replace one or more nucleotides with a different sequence, affecting a canonical splice donor site. This variant is expected to result in nonsense mediated decay, truncation, or a dysfunctional protein product. This variant is rare in the general population with a frequency below the threshold expected for the associated phenotype(s). Given the available evidence, this variant is classified as Likely Pathogenic.